The following is an entry in ClinVar:

NM_006766.5(KAT6A):c.2081A>G (p.Tyr694Cys)

Gene: KAT6A (lysine acetyltransferase 6A; minus strand). Cytogenetic location: 8p11.21.
Variant type: single nucleotide variant.
Coding change: c.2081A>G on transcript NM_006766.5 (MANE Select); coding-DNA position 2081, A replaced by G.
Protein change: p.Tyr694Cys; replaces tyrosine 694 with cysteine.
Molecular consequence: missense variant.
Genome position (GRCh38, 1-based): chr8:41,943,895, T>C on the plus strand (A>G on the coding strand, the complement: KAT6A is on the minus strand). VCF-style: chr8-41943895-T-C. GRCh37 (hg19) VCF-style: chr8-41801413-T-C.
Other names: c.2081A>G, p.Tyr694Cys (NM_001305878.2); short protein forms Y694C.
Identifiers: ClinVar variation 3602875 (VCV003602875.1).

ClinVar aggregate classification (germline): Uncertain significance (1 of 4 stars; one submission).

Submission:

GeneDx
Classification: Uncertain significance. Last evaluated: 2024-08-09. Review status: criteria provided, single submitter. Criteria: GeneDx Variant Classification Process June 2021. Collection method: clinical testing. Allele origin: germline. Affected: yes.
Comment: Not observed at significant frequency in large population cohorts (gnomAD); In silico analysis supports that this missense variant has a deleterious effect on protein structure/function; Has not been previously published as pathogenic or benign to our knowledge